The following is an entry in ClinVar:

ClinVar aggregate classification (germline): Uncertain significance (1 of 4 stars; one submission).

Conditions:
Very long chain acyl-CoA dehydrogenase deficiency (ACADVLD). Also called: Very Long-Chain Acyl-Coenzyme A Dehydrogenase Deficiency; VLCAD Deficiency. Identifiers: Orphanet 26793, MedGen C3887523, MONDO:0008723, OMIM 201475.

Submission:

Labcorp Genetics (formerly Invitae), Labcorp
Classification: Uncertain significance for Very long chain acyl-CoA dehydrogenase deficiency. Last evaluated: 2022-04-21. Review status: criteria provided, single submitter. Criteria: Invitae Variant Classification Sherloc (09022015). Collection method: clinical testing. Allele origin: germline.
Comment: This sequence change replaces tryptophan, which is neutral and slightly polar, with serine, which is neutral and polar, at codon 133 of the ACADVL protein (p.Trp133Ser). This variant is not present in population databases (gnomAD no frequency). This variant has not been reported in the literature in individuals affected with ACADVL-related conditions. Advanced modeling of protein sequence and biophysical properties (such as structural, functional, and spatial information, amino acid conservation, physicochemical variation, residue mobility, and thermodynamic stability) performed at Invitae indicates that this missense variant is expected to disrupt ACADVL protein function. In summary, the available evidence is currently insufficient to determine the role of this variant in disease. Therefore, it has been classified as a Variant of Uncertain Significance.

NM_000018.4(ACADVL):c.398G>C (p.Trp133Ser)

Gene: ACADVL (acyl-CoA dehydrogenase very long chain; plus strand). Cytogenetic location: 17p13.1.
Variant type: single nucleotide variant.
Coding change: c.398G>C on transcript NM_000018.4 (MANE Select); coding-DNA position 398, G replaced by C.
Protein change: p.Trp133Ser; replaces tryptophan 133 with serine.
Molecular consequence: missense variant.
Genome position (GRCh38, 1-based): chr17:7,220,979, G>C. VCF-style: chr17-7220979-G-C. GRCh37 (hg19) VCF-style: chr17-7124298-G-C.
Other names: c.332G>C, p.Trp111Ser (NM_001033859.3); c.467G>C, p.Trp156Ser (NM_001270447.2); c.170G>C, p.Trp57Ser (NM_001270448.2); short protein forms W133S, W57S, W156S, W111S.
Identifiers: ClinVar variation 2128732 (VCV002128732.1), dbSNP rs1555527907, ClinGen allele CA397722821.